The following is an entry in ClinVar:

ClinVar aggregate classification (germline): Likely pathogenic. Review status: criteria provided, multiple submitters, no conflicts (2 of 4 stars). 5 submissions from 5 submitters: Likely pathogenic (3). 2 of the submissions do not count toward it. Last evaluated 2025-09-07.

Conditions:
alpha Thalassemia. Also called: Alpha thalassemia spectrum. Identifiers: Orphanet 846, MedGen C0002312, MONDO:0011399, OMIM 604131.

Submissions (5):

Natera, Inc.
Classification: Likely pathogenic for Alpha thalassemia. Last evaluated: 2025-09-07. Review status: criteria provided, single submitter. Criteria: Natera Variant Classification Schema (03/2026). Collection method: clinical testing. Allele origin: germline.
Comment: The c.70G>T variant in HBA2 is a nonsense variant predicted to introduce a stop codon at amino acid 24. This variant is expected to result in nonsense mediated decay, truncation, or a dysfunctional protein product. This variant is rare in the general population with a frequency below the threshold expected for the associated phenotype(s). Given the available evidence, this variant is classified as Likely Pathogenic.

ARUP Laboratories, Molecular Genetics and Genomics, ARUP Laboratories
Classification: Likely pathogenic. Last evaluated: 2025-01-29. Review status: criteria provided, single submitter. Criteria: ARUP Molecular Germline Variant Investigation Process 2024. Collection method: clinical testing. Allele origin: germline.
Comment: The HBA2 c.70G>T; p.Glu24Ter variant (also known as Glu23Ter when numbered from the mature protein, rs281864819, ClinVar Variation ID: 15686, HbVar ID: 2531) has been reported in the heterozygous state in two individuals with microcytosis and hypochromia (Siala 2004, HbVar link and reference therein). This variant is absent from the Genome Aggregation Database (v2.1.1), indicating it is not a common polymorphism. This variant induces an early termination codon and is predicted to result in a truncated protein or mRNA subject to nonsense-mediated decay. Based on available information, this variant is considered to be likely pathogenic. References: Link to HbVar database: Siala H et al. A novel alpha-thalassemia nonsense mutation in codon 23 of the alpha2-globin gene (GAG-->TAG) in a Tunisian family. Hemoglobin. 2004 Aug;28(3):249-54. PMID: 15481894.

Quest Diagnostics Nichols Institute San Juan Capistrano
Classification: Likely pathogenic. Last evaluated: 2018-11-15. Review status: criteria provided, single submitter. Criteria: Quest Diagnostics criteria. Collection method: clinical testing. Allele origin: germline.
Comment: The variant creates a premature nonsense codon, and is therefore predicted to result in the loss of a functional protein.

The ITHANET community portal, The Cyprus Institute of Neurology and Genetics
Classification: Pathogenic for alpha Thalassemia. Last evaluated: 2019-11-25. Review status: no assertion criteria provided. Collection method: curation. Allele origin: germline. Not counted in ClinVar's aggregate classification.

OMIM
Classification: Pathogenic for ALPHA-THALASSEMIA. Last evaluated: 2004-08-01. Review status: no assertion criteria provided. Collection method: literature only. Allele origin: germline. Not counted in ClinVar's aggregate classification.

Literature cited by the submitters: PubMed 15481894 (cited by 3 submitters).

NM_000517.6(HBA2):c.70G>T (p.Glu24Ter)

Genes: HBA2 (hemoglobin subunit alpha 2; plus strand), LOC106804612 (hemoglobin subunit alpha 2 recombination region; plus strand). Cytogenetic location: 16p13.3.
Variant type: single nucleotide variant.
Coding change: c.70G>T on transcript NM_000517.6 (MANE Select); coding-DNA position 70, G replaced by T.
Protein change: p.Glu24Ter; replaces glutamic acid 24 with a stop codon.
Molecular consequence: nonsense.
Genome position (GRCh38, 1-based): chr16:172,982, G>T. VCF-style: chr16-172982-G-T. GRCh37 (hg19) VCF-style: chr16-222981-G-T.
Other names: E23*; CD 23 GAG>TAG; c.70G>T (NM_000517.5); short protein forms E24*.
Identifiers: ClinVar variation 15686 (VCV000015686.9), dbSNP rs281864819, ClinGen allele CA281649.